The following is an entry in ClinVar:

ClinVar aggregate classification (germline): Likely pathogenic (1 of 4 stars; one submission).

Conditions:
Brain small vessel disease 2A, autosomal dominant. Also called: Porencephaly 2. Identifiers: Orphanet 2940, Orphanet 99810, MedGen C3280970, MONDO:0013773, OMIM 614483.

Submission:

3billion
Classification: Likely pathogenic for Brain small vessel disease 2A, autosomal dominant. Last evaluated: 2024-01-22. Review status: criteria provided, single submitter. Criteria: ACMG Guidelines, 2015. Collection method: clinical testing. Allele origin: germline. Affected: yes.
Comment: The variant is not observed in the gnomAD v2.1.1 dataset. Predicted Consequence/Location: Frameshift: predicted to result in a loss or disruption of normal protein function through nonsense-mediated decay (NMD) or protein truncation. Multiple pathogenic variants are reported downstream of the variant. Therefore, this variant is classified as Likely pathogenic according to the recommendation of ACMG/AMP guideline.

NM_001846.4(COL4A2):c.2264dup (p.Gly756fs)

Gene: COL4A2 (collagen type IV alpha 2 chain; plus strand). Cytogenetic location: 13q34.
Variant type: Duplication.
Coding change: c.2264dup on transcript NM_001846.4 (MANE Select); coding-DNA position 2264, one base duplicated (C; older notation c.2264dupC).
Protein change: p.Gly756fs; shifts the reading frame from glycine 756.
Molecular consequence: frameshift variant.
Genome position (GRCh38, 1-based): chr13:110,472,989, C duplicated; the last of 4 consecutive C bases (chr13:110,472,986-110,472,989); duplicating any one gives the same sequence. VCF-style (leftmost placement, unchanged base first): chr13-110472985-T-TC. GRCh37 (hg19) VCF-style: chr13-111125332-T-TC.
Other names: short protein forms G756fs.
Identifiers: ClinVar variation 3775800 (VCV003775800.1).